The following is an entry in ClinVar:

NM_032444.4(SLX4):c.5096C>G (p.Ser1699Cys)

Gene: SLX4 (SLX4 structure-specific endonuclease subunit; minus strand). Cytogenetic location: 16p13.3.
Variant type: single nucleotide variant.
Coding change: c.5096C>G on transcript NM_032444.4 (MANE Select); coding-DNA position 5096, C replaced by G.
Protein change: p.Ser1699Cys; replaces serine 1699 with cysteine.
Molecular consequence: missense variant.
Genome position (GRCh38, 1-based): chr16:3,583,154, G>C on the plus strand (C>G on the coding strand, the complement: SLX4 is on the minus strand). VCF-style: chr16-3583154-G-C. GRCh37 (hg19) VCF-style: chr16-3633155-G-C.
Other names: short protein forms S1699C.
Identifiers: ClinVar variation 1016321 (VCV001016321.7), dbSNP rs184699331, ClinGen allele CA394514572.

ClinVar aggregate classification (germline): Uncertain significance (1 of 4 stars; one submission).

Conditions:
Fanconi anemia (FA). Also called: Fanconi's anemia. Identifiers: Orphanet 84, MedGen C0015625, MeSH D005199, MONDO:0019391.

Submission:

Labcorp Genetics (formerly Invitae), Labcorp
Classification: Uncertain significance for Fanconi anemia. Last evaluated: 2024-02-15. Review status: criteria provided, single submitter. Criteria: Invitae Variant Classification Sherloc (09022015). Collection method: clinical testing. Allele origin: germline.
Comment: This sequence change replaces serine, which is neutral and polar, with cysteine, which is neutral and slightly polar, at codon 1699 of the SLX4 protein (p.Ser1699Cys). This variant is not present in population databases (gnomAD no frequency). This variant has not been reported in the literature in individuals affected with SLX4-related conditions. ClinVar contains an entry for this variant (Variation ID: 1016321). An algorithm developed to predict the effect of missense changes on protein structure and function (PolyPhen-2) suggests that this variant is likely to be disruptive. In summary, the available evidence is currently insufficient to determine the role of this variant in disease. Therefore, it has been classified as a Variant of Uncertain Significance.